The following is an entry in ClinVar:

NM_003119.4(SPG7):c.2182-1009C>T

Gene: SPG7 (SPG7 matrix AAA peptidase subunit, paraplegin; plus strand). Cytogenetic location: 16q24.3.
Variant type: single nucleotide variant.
Coding change: c.2182-1009C>T on transcript NM_003119.4 (MANE Select); 1009 bases into the intron before coding-DNA position 2182, C replaced by T.
Molecular consequence: intron variant. On other transcripts: nonsense (1).
Genome position (GRCh38, 1-based): chr16:89,555,878, C>T. VCF-style: chr16-89555878-C-T. GRCh37 (hg19) VCF-style: chr16-89622286-C-T.
Other names: c.2182C>T, p.Arg728Ter (NM_001363850.1); short protein forms R728*.
Identifiers: ClinVar variation 4279551 (VCV004279551.1).
Genomic context (GRCh38, chr16:89,555,878, plus strand): 5'-ACAGATGGGTAGGCAGTGGATAGGTAGTTGTTTCTTCAGCCTCCCCTTGTGTCTTTCAAG[C>T]GAGCACTGTGTGTCACGTGGGGATCGTGTTTGGGGCCCTTAGACTGTCGTCCCCAGCCAG-3'

ClinVar aggregate classification (germline): Pathogenic (1 of 4 stars; one submission).

Conditions:
Hereditary spastic paraplegia 7 (SPG7). Also called: Spastic paraplegia 7; Hereditary spastic paraplegia Paraplegin type; Autosomal recessive spastic paraplegia type 7; SPASTIC PARAPLEGIA 7, AUTOSOMAL RECESSIVE, WITH OR WITHOUT CEREBELLAR ATAXIA; SPG7-related neurologic disorder. Identifiers: Orphanet 99013, MedGen C1846564, MONDO:0011803, OMIM 607259.

gnomAD v4.1: 19 of 398,664 alleles (0.0048%); highest among the groups gnomAD compares: South Asian, 0.013%; no homozygotes.

Submission:

Department of Paediatrics at Addenbrookes, Cambridge University Hospitals NHS Foundation Trust (UK)
Classification: Pathogenic for Hereditary spastic paraplegia 7. Last evaluated: 2025-05-27. Review status: criteria provided, single submitter. Criteria: Durkie Uk Practice Guidelines For Variant Classification V12 2024 (1). Collection method: clinical testing. Allele origin: unknown.
Comment: PVS1_Moderate; PM2_Moderate